The following is an entry in ClinVar:

ClinVar aggregate classification (germline): Likely benign. Review status: criteria provided, single submitter (1 of 4 stars). 2 submissions from 2 submitters: Likely benign (1). 1 of the submissions does not count toward it. Last evaluated 2025-09-29.

Conditions:
LRP4-related disorder. Also called: LRP4-related condition.
Sclerosteosis 2 (SOST2). Identifiers: Orphanet 3152, MedGen C3280402, MONDO:0013679, OMIM 614305.
Congenital myasthenic syndrome 17. Identifiers: Orphanet 590, MedGen C4225377, MONDO:0014578, OMIM 616304.
Cenani-Lenz syndactyly syndrome. Also called: SYNDACTYLY, TYPE VII; CENANI SYNDACTYLISM. Identifiers: Orphanet 3258, MedGen C1859309, MONDO:0008931, OMIM 212780.

Allele frequency attached by ClinVar (database versions not stated): TOPMed 0.00001; gnomAD exomes 0.00002; ExAC 0.00001; gnomAD 0.00001.
gnomAD v4.1: 28 of 1,613,982 alleles (0.0017%); highest among the groups gnomAD compares: African/African-American, 0.008%; no homozygotes.

Submissions (2):

Labcorp Genetics (formerly Invitae), Labcorp
Classification: Likely benign for Cenani-Lenz syndactyly syndrome; Sclerosteosis 2; Congenital myasthenic syndrome 17. Last evaluated: 2025-09-29. Review status: criteria provided, single submitter. Criteria: Invitae Variant Classification Sherloc (09022015). Collection method: clinical testing. Allele origin: germline.

PreventionGenetics, part of Exact Sciences
Classification: Likely benign for LRP4-related condition. Last evaluated: 2019-06-17. Review status: no assertion criteria provided. Collection method: clinical testing. Allele origin: germline. Not counted in ClinVar's aggregate classification.
Comment: This variant is classified as likely benign based on ACMG/AMP sequence variant interpretation guidelines (Richards et al. 2015 PMID: 25741868, with internal and published modifications).

NM_002334.4(LRP4):c.5625C>T (p.Ser1875=)

Genes: LRP4 (LDL receptor related protein 4; minus strand), LRP4-AS1 (LRP4 antisense RNA 1; plus strand). Cytogenetic location: 11p11.2.
Variant type: single nucleotide variant.
Coding change: c.5625C>T on transcript NM_002334.4 (MANE Select); coding-DNA position 5625, C replaced by T.
Protein change: p.Ser1875=; no amino-acid change (serine 1875 retained).
Molecular consequence: synonymous variant.
Genome position (GRCh38, 1-based): chr11:46,859,076, G>A on the plus strand (C>T on the coding strand, the complement: LRP4 is on the minus strand). VCF-style: chr11-46859076-G-A. GRCh37 (hg19) VCF-style: chr11-46880627-G-A.
Identifiers: ClinVar variation 3034115 (VCV003034115.4), dbSNP rs764879036, ClinGen allele CA5968978.